The following is an entry in ClinVar:

NM_013275.6(ANKRD11):c.397+3G>A

Gene: ANKRD11 (ankyrin repeat domain 11; minus strand). Cytogenetic location: 16q24.3.
Variant type: single nucleotide variant.
Coding change: c.397+3G>A on transcript NM_013275.6 (MANE Select); 3 bases into the intron after coding-DNA position 397, G replaced by A.
Molecular consequence: intron variant.
Genome position (GRCh38, 1-based): chr16:89,291,010, C>T on the plus strand (G>A on the coding strand, the complement: ANKRD11 is on the minus strand). VCF-style: chr16-89291010-C-T. GRCh37 (hg19) VCF-style: chr16-89357418-C-T.
Other names: c.397+3G>A (NM_001256183.2, NM_001256182.2).
Identifiers: ClinVar variation 2039592 (VCV002039592.4), dbSNP rs941533355, ClinGen allele CA286527258.

ClinVar aggregate classification (germline): Uncertain significance (1 of 4 stars; one submission).

Conditions:
KBG syndrome (KBGS). Also called: ANKRD11-Related KBG Syndrome. Identifiers: Orphanet 2332, MedGen C0220687, MONDO:0007846, OMIM 148050.

Allele frequency attached by ClinVar (database versions not stated): gnomAD exomes below 0.00001; TOPMed 0.00001.
gnomAD v4.1: 4 of 1,611,164 alleles (0.00025%); highest among the groups gnomAD compares: Admixed American, 0.005%; no homozygotes.

Submission:

Labcorp Genetics (formerly Invitae), Labcorp
Classification: Uncertain significance for KBG syndrome. Last evaluated: 2022-11-01. Review status: criteria provided, single submitter. Criteria: Invitae Variant Classification Sherloc (09022015). Collection method: clinical testing. Allele origin: germline.
Comment: Variants that disrupt the consensus splice site are a relatively common cause of aberrant splicing (PMID: 17576681, 9536098). Algorithms developed to predict the effect of sequence changes on RNA splicing suggest that this variant is not likely to affect RNA splicing. This variant has not been reported in the literature in individuals affected with ANKRD11-related conditions. This variant is not present in population databases (gnomAD no frequency). This sequence change falls in intron 5 of the ANKRD11 gene. It does not directly change the encoded amino acid sequence of the ANKRD11 protein. It affects a nucleotide within the consensus splice site. In summary, the available evidence is currently insufficient to determine the role of this variant in disease. Therefore, it has been classified as a Variant of Uncertain Significance.

Literature cited by the submitters: PubMed 17576681; PubMed 9536098.